The following is an entry in ClinVar:

ClinVar aggregate classification (germline): Uncertain significance. Review status: criteria provided, multiple submitters, no conflicts (2 of 4 stars). 2 submissions from 2 submitters: Uncertain significance (2). Last evaluated 2024-01-19.

Conditions:
Inborn genetic diseases. Identifiers: MedGen C0950123, MeSH D030342.

Allele frequency attached by ClinVar (database versions not stated): ESP Exome Variant Server 0.00008.
gnomAD v4.1: 28 of 1,613,346 alleles (0.0017%); highest among the groups gnomAD compares: African/African-American, 0.021%; no homozygotes.

Submissions (2):

Ambry Genetics
Classification: Uncertain significance for Inborn genetic diseases. Last evaluated: 2024-01-19. Review status: criteria provided, single submitter. Criteria: Ambry Variant Classification Scheme 2023. Collection method: clinical testing. Allele origin: germline.

Labcorp Genetics (formerly Invitae), Labcorp
Classification: Uncertain significance. Last evaluated: 2021-10-11. Review status: criteria provided, single submitter. Criteria: Invitae Variant Classification Sherloc (09022015). Collection method: clinical testing. Allele origin: germline.
Comment: In summary, the available evidence is currently insufficient to determine the role of this variant in disease. Therefore, it has been classified as a Variant of Uncertain Significance. Algorithms developed to predict the effect of missense changes on protein structure and function (SIFT, PolyPhen-2, Align-GVGD) all suggest that this variant is likely to be tolerated. This variant has not been reported in the literature in individuals affected with CENPF-related conditions. This variant is present in population databases (rs372430358, ExAC 0.03%). This sequence change replaces isoleucine with valine at codon 2696 of the CENPF protein (p.Ile2696Val). The isoleucine residue is moderately conserved and there is a small physicochemical difference between isoleucine and valine.

NM_016343.4(CENPF):c.8086A>G (p.Ile2696Val)

Gene: CENPF (centromere protein F; plus strand). Cytogenetic location: 1q41.
Variant type: single nucleotide variant.
Coding change: c.8086A>G on transcript NM_016343.4 (MANE Select); coding-DNA position 8086, A replaced by G.
Protein change: p.Ile2696Val; replaces isoleucine 2696 with valine.
Molecular consequence: missense variant.
Genome position (GRCh38, 1-based): chr1:214,651,812, A>G. VCF-style: chr1-214651812-A-G. GRCh37 (hg19) VCF-style: chr1-214825155-A-G.
Other names: c.8086A>G (NM_016343.3); short protein forms I2696V.
Identifiers: ClinVar variation 1444468 (VCV001444468.7), dbSNP rs372430358, ClinGen allele CA1391299.